The following is an entry in ClinVar:

NM_004006.3(DMD):c.4739T>G (p.Met1580Arg)

Gene: DMD (dystrophin; minus strand). Cytogenetic location: Xp21.1.
Variant type: single nucleotide variant.
Coding change: c.4739T>G on transcript NM_004006.3 (MANE Select); coding-DNA position 4739, T replaced by G.
Protein change: p.Met1580Arg; replaces methionine 1580 with arginine.
Molecular consequence: missense variant.
Genome position (GRCh38, 1-based): chrX:32,380,616, A>C on the plus strand (T>G on the coding strand, the complement: DMD is on the minus strand). VCF-style: chrX-32380616-A-C. GRCh37 (hg19) VCF-style: chrX-32398733-A-C.
Other names: c.4715T>G, p.Met1572Arg (NM_000109.4); c.4727T>G, p.Met1576Arg (NM_004009.3); c.4370T>G, p.Met1457Arg (NM_004010.3); c.716T>G, p.Met239Arg (NM_004011.4); c.707T>G, p.Met236Arg (NM_004012.4); short protein forms M1457R, M1572R, M1576R, M1580R, M236R, M239R.
Identifiers: ClinVar variation 1004386 (VCV001004386.3), dbSNP rs764192677, ClinGen allele CA412661397.

ClinVar aggregate classification (germline): Uncertain significance. Review status: criteria provided, single submitter (1 of 4 stars). 2 submissions from 2 submitters: Uncertain significance (1). 1 of the submissions does not count toward it. Last evaluated 2022-10-20.

Conditions:
Duchenne muscular dystrophy (DMD). Also called: MUSCULAR DYSTROPHY, PSEUDOHYPERTROPHIC PROGRESSIVE, DUCHENNE TYPE; Duchenne Muscular Dystrophy (DMD). Identifiers: Orphanet 98896, MedGen C0013264, MONDO:0010679, OMIM 310200.
Dystrophin deficiency.
Becker muscular dystrophy (BMD). Also called: MUSCULAR DYSTROPHY, PSEUDOHYPERTROPHIC PROGRESSIVE, BECKER TYPE; Becker Muscular Dystrophy (BMD). Identifiers: Orphanet 98895, MedGen C0917713, MONDO:0010311, OMIM 300376.
Cardiomyopathy (CMYO). Also called: Cardiomyopathies. Identifiers: Orphanet 167848, MedGen C0878544, MONDO:0004994, HP:0001638. Inheritance: Various modes of inheritance.

Submissions (2):

Labcorp Genetics (formerly Invitae), Labcorp
Classification: Uncertain significance for Duchenne muscular dystrophy. Last evaluated: 2022-10-20. Review status: criteria provided, single submitter. Criteria: Invitae Variant Classification Sherloc (09022015). Collection method: clinical testing. Allele origin: germline.
Comment: This sequence change replaces methionine, which is neutral and non-polar, with arginine, which is basic and polar, at codon 1580 of the DMD protein (p.Met1580Arg). This variant is not present in population databases (gnomAD no frequency). This variant has not been reported in the literature in individuals affected with DMD-related conditions. ClinVar contains an entry for this variant (Variation ID: 1004386). Advanced modeling of protein sequence and biophysical properties (such as structural, functional, and spatial information, amino acid conservation, physicochemical variation, residue mobility, and thermodynamic stability) performed at Invitae indicates that this missense variant is not expected to disrupt DMD protein function. In summary, the available evidence is currently insufficient to determine the role of this variant in disease. Therefore, it has been classified as a Variant of Uncertain Significance.

Natera, Inc.
Classification: Uncertain significance for Becker muscular dystrophy; Cardiomyopathy; Duchenne muscular dystrophy; Dystrophin deficiency. Last evaluated: 2019-01-14. Review status: no assertion criteria provided. Collection method: clinical testing. Allele origin: germline. Not counted in ClinVar's aggregate classification.